The following is an entry in ClinVar:

NM_005085.4(NUP214):c.3040C>T (p.Arg1014Trp)

Gene: NUP214 (nucleoporin 214; plus strand). Cytogenetic location: 9q34.13.
Variant type: single nucleotide variant.
Coding change: c.3040C>T on transcript NM_005085.4 (MANE Select); coding-DNA position 3040, C replaced by T.
Protein change: p.Arg1014Trp; replaces arginine 1014 with tryptophan.
Molecular consequence: missense variant.
Genome position (GRCh38, 1-based): chr9:131,174,201, C>T. VCF-style: chr9-131174201-C-T. GRCh37 (hg19) VCF-style: chr9-134049588-C-T.
Other names: c.3010C>T, p.Arg1004Trp (NM_001318324.2); short protein forms R1004W, R1014W.
Identifiers: ClinVar variation 1695532 (VCV001695532.2), dbSNP rs35979160, ClinGen allele CA5289487.

ClinVar aggregate classification (germline): Uncertain significance (1 of 4 stars; one submission).

Allele frequency attached by ClinVar (database versions not stated): 1000 Genomes Project 30x 0.00031; gnomAD exomes 0.00031; ExAC 0.00035; 1000 Genomes Project 0.00040; gnomAD 0.00107 and 0.00118; TOPMed 0.00122; ESP Exome Variant Server 0.00123.
gnomAD v4.1: 321 of 1,613,944 alleles (0.02%); highest among the groups gnomAD compares: African/African-American, 0.37%; no homozygotes.

Submission:

GeneDx
Classification: Uncertain significance. Last evaluated: 2022-01-05. Review status: criteria provided, single submitter. Criteria: GeneDx Variant Classification Process June 2021. Collection method: clinical testing. Allele origin: germline. Affected: yes.
Comment: Has not been previously published as pathogenic or benign to our knowledge; In silico analysis supports that this missense variant has a deleterious effect on protein structure/function